The following is an entry in ClinVar:

NM_182493.3(MYLK3):c.1732G>A (p.Ala578Thr)

Gene: MYLK3 (myosin light chain kinase 3; minus strand). Cytogenetic location: 16q11.2.
Variant type: single nucleotide variant.
Coding change: c.1732G>A on transcript NM_182493.3 (MANE Select); coding-DNA position 1732, G replaced by A.
Protein change: p.Ala578Thr; replaces alanine 578 with threonine.
Molecular consequence: missense variant.
Genome position (GRCh38, 1-based): chr16:46,729,064, C>T on the plus strand (G>A on the coding strand, the complement: MYLK3 is on the minus strand). VCF-style: chr16-46729064-C-T. GRCh37 (hg19) VCF-style: chr16-46762976-C-T.
Other names: p.Ala578Thr; c.709G>A, p.Ala237Thr (NM_001308301.1); c.1732G>A (NM_182493.2); short protein forms A237T, A578T.
Identifiers: ClinVar variation 1933576 (VCV001933576.8), dbSNP rs774034698, ClinGen allele CA8037872.

ClinVar aggregate classification (germline): Uncertain significance. Review status: criteria provided, multiple submitters, no conflicts (2 of 4 stars). 3 submissions from 3 submitters: Uncertain significance (3). Last evaluated 2026-01-26.

Allele frequency attached by ClinVar (database versions not stated): TOPMed below 0.00001; gnomAD exomes 0.00001; ExAC 0.00002.
gnomAD v4.1: 10 of 1,614,110 alleles (0.00062%); highest among the groups gnomAD compares: Non-Finnish European, 0.00085%; no homozygotes.

Submissions (3):

Labcorp Genetics (formerly Invitae), Labcorp
Classification: Uncertain significance. Last evaluated: 2026-01-26. Review status: criteria provided, single submitter. Criteria: Invitae Variant Classification Sherloc (09022015). Collection method: clinical testing. Allele origin: germline.
Comment: This sequence change replaces alanine, which is neutral and non-polar, with threonine, which is neutral and polar, at codon 578 of the MYLK3 protein (p.Ala578Thr). This variant is present in population databases (rs774034698, gnomAD 0.002%). This variant has not been reported in the literature in individuals affected with MYLK3-related conditions. ClinVar contains an entry for this variant (Variation ID: 1933576). An algorithm developed to predict the effect of missense changes on protein structure and function (PolyPhen-2) suggests that this variant is likely to be disruptive. In summary, the available evidence is currently insufficient to determine the role of this variant in disease. Therefore, it has been classified as a Variant of Uncertain Significance.

Mayo Clinic Laboratories, Mayo Clinic
Classification: Uncertain significance. Last evaluated: 2025-08-30. Review status: criteria provided, single submitter. Criteria: ACMG Guidelines, 2015. Collection method: clinical testing. Allele origin: germline. Observed: 1 variant allele.
Comment: PM2_supporting

Ambry Genetics
Classification: Uncertain significance. Last evaluated: 2023-04-25. Review status: criteria provided, single submitter. Criteria: Ambry Variant Classification Scheme 2023. Collection method: clinical testing. Allele origin: germline.